The following is an entry in ClinVar:

NM_003922.4(HERC1):c.10562T>C (p.Val3521Ala)

Gene: HERC1 (HECT and RLD domain containing E3 ubiquitin protein ligase family member 1; minus strand). Cytogenetic location: 15q22.31.
Variant type: single nucleotide variant.
Coding change: c.10562T>C on transcript NM_003922.4 (MANE Select); coding-DNA position 10562, T replaced by C.
Protein change: p.Val3521Ala; replaces valine 3521 with alanine.
Molecular consequence: missense variant.
Genome position (GRCh38, 1-based): chr15:63,649,910, A>G on the plus strand (T>C on the coding strand, the complement: HERC1 is on the minus strand). VCF-style: chr15-63649910-A-G. GRCh37 (hg19) VCF-style: chr15-63942109-A-G.
Other names: short protein forms V3521A.
Identifiers: ClinVar variation 3364313 (VCV003364313.1).

ClinVar aggregate classification (germline): Uncertain significance (1 of 4 stars; one submission).

Submission:

GeneDx
Classification: Uncertain significance. Last evaluated: 2023-11-13. Review status: criteria provided, single submitter. Criteria: GeneDx Variant Classification Process June 2021. Collection method: clinical testing. Allele origin: germline. Affected: yes.
Comment: Not observed at significant frequency in large population cohorts (gnomAD); In silico analysis supports that this missense variant does not alter protein structure/function; Has not been previously published as pathogenic or benign to our knowledge